The following is an entry in ClinVar:

ClinVar aggregate classification (germline): Uncertain significance (1 of 4 stars; one submission).

Conditions:
Cardiovascular phenotype. Identifiers: MedGen CN230736.

Submission:

Ambry Genetics
Classification: Uncertain significance for Cardiovascular phenotype. Last evaluated: 2026-08-08. Review status: criteria provided, single submitter. Criteria: Ambry Variant Classification Scheme 2023. Collection method: clinical testing. Allele origin: germline.
Comment: The p.I815N variant (also known as c.2444T>A), located in coding exon 10 of the MYPN gene, results from a T to A substitution at nucleotide position 2444. The isoleucine at codon 815 is replaced by asparagine, an amino acid with dissimilar properties. This amino acid position is conserved. In addition, this alteration is predicted to be tolerated by in silico analysis. Based on the available evidence, the clinical significance of this variant remains unclear.

NM_032578.4(MYPN):c.2444T>A (p.Ile815Asn)

Gene: MYPN (myopalladin; plus strand). Cytogenetic location: 10q21.3.
Variant type: single nucleotide variant.
Coding change: c.2444T>A on transcript NM_032578.4 (MANE Select); coding-DNA position 2444, T replaced by A.
Protein change: p.Ile815Asn; replaces isoleucine 815 with asparagine.
Molecular consequence: missense variant. On other transcripts: non-coding transcript variant (2).
Genome position (GRCh38, 1-based): chr10:68,174,536, T>A. VCF-style: chr10-68174536-T-A. GRCh37 (hg19) VCF-style: chr10-69934293-T-A.
Other names: c.2444T>A, p.Ile815Asn (NM_001256267.2); c.1562T>A, p.Ile521Asn (NM_001256268.2); short protein forms I521N, I815N.
Identifiers: ClinVar variation 5025306 (VCV005025306.1).